The following is an entry in ClinVar:

ClinVar aggregate classification (germline): Likely benign. Review status: criteria provided, multiple submitters, no conflicts (2 of 4 stars). 3 submissions from 3 submitters: Likely benign (3). Last evaluated 2025-10-02.

Conditions:
Combined oxidative phosphorylation defect type 27. Also called: Combined oxidative phosphorylation deficiency 27. Identifiers: Orphanet 477774, MedGen C5567608, MONDO:0014728, OMIM 616672.

Allele frequency attached by ClinVar (database versions not stated): gnomAD exomes 0.00002 and 0.00004; TOPMed 0.00002; gnomAD 0.00003; ExAC 0.00004.
gnomAD v4.1: 42 of 1,613,264 alleles (0.0026%); highest among the groups gnomAD compares: Middle Eastern, 0.033%; no homozygotes.

Submissions (3):

Labcorp Genetics (formerly Invitae), Labcorp
Classification: Likely benign for Combined oxidative phosphorylation defect type 27. Last evaluated: 2025-10-02. Review status: criteria provided, single submitter. Criteria: Invitae Variant Classification Sherloc (09022015). Collection method: clinical testing. Allele origin: germline.

GeneDx
Classification: Likely benign. Last evaluated: 2017-05-23. Review status: criteria provided, single submitter. Criteria: GeneDx Variant Classification (06012015). Collection method: clinical testing. Allele origin: germline. Affected: yes.
Comment: This variant is considered likely benign or benign based on one or more of the following criteria: it is a conservative change, it occurs at a poorly conserved position in the protein, it is predicted to be benign by multiple in silico algorithms, and/or has population frequency not consistent with disease.

Breakthrough Genomics
Classification: Likely benign. Review status: criteria provided, single submitter. Criteria: ACMG Guidelines, 2015. Collection method: not provided. Allele origin: germline. Inheritance: Autosomal recessive inheritance. Affected: yes.

NM_024537.4(CARS2):c.528T>C (p.Ile176=)

Gene: CARS2 (cysteinyl-tRNA synthetase 2, mitochondrial; minus strand). Cytogenetic location: 13q34.
Variant type: single nucleotide variant.
Coding change: c.528T>C on transcript NM_024537.4 (MANE Select); coding-DNA position 528, T replaced by C.
Protein change: p.Ile176=; no amino-acid change (isoleucine 176 retained).
Molecular consequence: synonymous variant. On other transcripts: 5 prime UTR variant (1), non-coding transcript variant (2).
Genome position (GRCh38, 1-based): chr13:110,687,764, A>G on the plus strand (T>C on the coding strand, the complement: CARS2 is on the minus strand). VCF-style: chr13-110687764-A-G. GRCh37 (hg19) VCF-style: chr13-111340111-A-G.
Other names: c.-472T>C (NM_001352252.2); c.528T>C, p.Ile176= (NM_001352253.3).
Identifiers: ClinVar variation 509278 (VCV000509278.10), dbSNP rs759194567, ClinGen allele CA7052215.